The following is an entry in ClinVar:

NM_021814.5(ELOVL5):c.62C>T (p.Thr21Ile)

Gene: ELOVL5 (ELOVL fatty acid elongase 5; minus strand). Cytogenetic location: 6p12.1.
Variant type: single nucleotide variant.
Coding change: c.62C>T on transcript NM_021814.5 (MANE Select); coding-DNA position 62, C replaced by T.
Protein change: p.Thr21Ile; replaces threonine 21 with isoleucine.
Molecular consequence: missense variant.
Genome position (GRCh38, 1-based): chr6:53,291,960, G>A on the plus strand (C>T on the coding strand, the complement: ELOVL5 is on the minus strand). VCF-style: chr6-53291960-G-A. GRCh37 (hg19) VCF-style: chr6-53156758-G-A.
Other names: c.62C>T, p.Thr21Ile (NM_001242828.2, NM_001242830.2, NM_001301856.2); short protein forms T21I.
Identifiers: ClinVar variation 3275227 (VCV003275227.3).

ClinVar aggregate classification (germline): Uncertain significance. Review status: criteria provided, multiple submitters, no conflicts (2 of 4 stars). 2 submissions from 2 submitters: Uncertain significance (2). Last evaluated 2024-03-22.

Conditions:
Inborn genetic diseases. Identifiers: MedGen C0950123, MeSH D030342.

gnomAD v4.1: 18 of 1,494,968 alleles (0.0012%); highest among the groups gnomAD compares: Non-Finnish European, 0.0015%; no homozygotes.

Submissions (2):

Ambry Genetics
Classification: Uncertain significance for Inborn genetic diseases. Last evaluated: 2024-03-22. Review status: criteria provided, single submitter. Criteria: Ambry Variant Classification Scheme 2023. Collection method: clinical testing. Allele origin: germline.

Labcorp Genetics (formerly Invitae), Labcorp
Classification: Uncertain significance. Last evaluated: 2024-02-11. Review status: criteria provided, single submitter. Criteria: Invitae Variant Classification Sherloc (09022015). Collection method: clinical testing. Allele origin: germline.
Comment: This sequence change replaces threonine, which is neutral and polar, with isoleucine, which is neutral and non-polar, at codon 21 of the ELOVL5 protein (p.Thr21Ile). This variant is present in population databases (no rsID available, gnomAD 0.002%). This variant has not been reported in the literature in individuals affected with ELOVL5-related conditions. An algorithm developed to predict the effect of missense changes on protein structure and function (PolyPhen-2) suggests that this variant is likely to be tolerated. In summary, the available evidence is currently insufficient to determine the role of this variant in disease. Therefore, it has been classified as a Variant of Uncertain Significance.